The following is an entry in ClinVar:

ClinVar aggregate classification (germline): Uncertain significance. Review status: criteria provided, multiple submitters, no conflicts (2 of 4 stars). 5 submissions from 5 submitters: Uncertain significance (5). Last evaluated 2025-09-12.

Conditions:
Lynch syndrome. Identifiers: Orphanet 144, MedGen C4552100, MONDO:0005835. Disease mechanism: loss of function.
Hereditary cancer-predisposing syndrome. Also called: Hereditary Cancer Syndrome; Neoplastic Syndromes, Hereditary; Tumor predisposition; Hereditary neoplastic syndrome. Identifiers: Orphanet 140162, MedGen C0027672, MeSH D009386, MONDO:0015356.
Hereditary nonpolyposis colorectal neoplasms. Identifiers: MedGen C0009405, MeSH D003123.

gnomAD v4.1: 1 of 1,613,662 alleles (0.000062%); highest among the groups gnomAD compares: Non-Finnish European, 0.000085%; no homozygotes.

Submissions (5):

Color Diagnostics, LLC DBA Color Health
Classification: Uncertain significance for Hereditary cancer-predisposing syndrome. Last evaluated: 2025-09-12. Review status: criteria provided, single submitter. Criteria: ACMG Guidelines, 2015. Collection method: clinical testing. Allele origin: germline.
Comment: This missense variant replaces leucine with valine at codon 859 of the MSH6 protein. Computational prediction is inconclusive regarding the impact of this variant on protein structure and function. To our knowledge, functional studies have not been reported for this variant. This variant has not been reported in individuals affected with MSH6-related disorders in the literature. This variant has not been identified in the general population by the Genome Aggregation Database (gnomAD). The available evidence is insufficient to determine the role of this variant in disease conclusively. Therefore, this variant is classified as a Variant of Uncertain Significance.

Labcorp Genetics (formerly Invitae), Labcorp
Classification: Uncertain significance for Hereditary nonpolyposis colorectal neoplasms. Last evaluated: 2025-07-16. Review status: criteria provided, single submitter. Criteria: Invitae Variant Classification Sherloc (09022015). Collection method: clinical testing. Allele origin: germline.
Comment: This sequence change replaces leucine, which is neutral and non-polar, with valine, which is neutral and non-polar, at codon 859 of the MSH6 protein (p.Leu859Val). This variant is not present in population databases (gnomAD no frequency). This variant has not been reported in the literature in individuals affected with MSH6-related conditions. ClinVar contains an entry for this variant (Variation ID: 489984). Invitae Evidence Modeling of protein sequence and biophysical properties (such as structural, functional, and spatial information, amino acid conservation, physicochemical variation, residue mobility, and thermodynamic stability) indicates that this missense variant is not expected to disrupt MSH6 protein function with a negative predictive value of 95%. In summary, the available evidence is currently insufficient to determine the role of this variant in disease. Therefore, it has been classified as a Variant of Uncertain Significance.

Quest Diagnostics Nichols Institute San Juan Capistrano
Classification: Uncertain significance. Last evaluated: 2024-09-28. Review status: criteria provided, single submitter. Criteria: Quest Diagnostics criteria. Collection method: clinical testing. Allele origin: unknown.
Comment: The MSH6 c.2575C>G (p.Leu859Val) variant has not been reported in individuals with MSH6-related conditions in the published literature. It also has not been reported in large, multi-ethnic general populations (Genome Aggregation Database). Analysis of this variant using bioinformatics tools for the prediction of the effect of amino acid changes on protein structure and function yielded conflicting predictions that this variant is benign or damaging. Based on the available information, we are unable to determine the clinical significance of this variant.

Ambry Genetics
Classification: Uncertain significance for Hereditary cancer-predisposing syndrome. Last evaluated: 2024-06-19. Review status: criteria provided, single submitter. Criteria: Ambry Variant Classification Scheme 2023. Collection method: clinical testing. Allele origin: germline.
Comment: The p.L859V variant (also known as c.2575C>G), located in coding exon 4 of the MSH6 gene, results from a C to G substitution at nucleotide position 2575. The leucine at codon 859 is replaced by valine, an amino acid with highly similar properties. This amino acid position is highly conserved in available vertebrate species. In addition, the in silico prediction for this alteration is inconclusive. Based on the available evidence, the clinical significance of this variant remains unclear.

All of Us Research Program, National Institutes of Health
Classification: Uncertain significance for Lynch syndrome. Last evaluated: 2023-02-24. Review status: criteria provided, single submitter. Criteria: ACMG Guidelines, 2015. Collection method: clinical testing. Allele origin: germline. Inheritance: Autosomal dominant inheritance. Observed: 1 variant allele, 1 heterozygote.
Comment: This missense variant replaces leucine with valine at codon 859 of the MSH6 protein. Computational prediction is inconclusive regarding the impact of this variant on protein structure and function (internally defined REVEL score threshold 0.5 < inconclusive < 0.7, PMID: 27666373). To our knowledge, functional studies have not been reported for this variant. This variant has not been reported in individuals affected with MSH6-related disorders in the literature. This variant has not been identified in the general population by the Genome Aggregation Database (gnomAD). The available evidence is insufficient to determine the role of this variant in disease conclusively. Therefore, this variant is classified as a Variant of Uncertain Significance.

This study involves interpretation of variants in research participants for the purpose of population health screening. Participant phenotype was not available at the time of variant classification. Additional details can be found in publication PMID: 35346344, PMCID: PMC8962531

NM_000179.3(MSH6):c.2575C>G (p.Leu859Val)

Gene: MSH6 (mutS homolog 6; plus strand). Cytogenetic location: 2p16.3.
Variant type: single nucleotide variant.
Coding change: c.2575C>G on transcript NM_000179.3 (MANE Select); coding-DNA position 2575, C replaced by G.
Protein change: p.Leu859Val; replaces leucine 859 with valine.
Molecular consequence: missense variant.
Genome position (GRCh38, 1-based): chr2:47,800,558, C>G. VCF-style: chr2-47800558-C-G. GRCh37 (hg19) VCF-style: chr2-48027697-C-G.
Other names: c.2185C>G, p.Leu729Val (NM_001281492.2); c.1669C>G, p.Leu557Val (NM_001281493.2, NM_001281494.2); short protein forms L859V, L557V, L729V.
Identifiers: ClinVar variation 489984 (VCV000489984.16), dbSNP rs1553413924, ClinGen allele CA346754761.